The following is an entry in ClinVar:

NM_032043.3(BRIP1):c.113G>A (p.Ser38Asn)

Gene: BRIP1 (BRCA1 interacting DNA helicase 1; minus strand). Cytogenetic location: 17q23.2.
Variant type: single nucleotide variant.
Coding change: c.113G>A on transcript NM_032043.3 (MANE Select); coding-DNA position 113, G replaced by A.
Protein change: p.Ser38Asn; replaces serine 38 with asparagine.
Molecular consequence: missense variant.
Genome position (GRCh38, 1-based): chr17:61,859,888, C>T on the plus strand (G>A on the coding strand, the complement: BRIP1 is on the minus strand). VCF-style: chr17-61859888-C-T. GRCh37 (hg19) VCF-style: chr17-59937249-C-T.
Other names: short protein forms S38N.
Identifiers: ClinVar variation 483153 (VCV000483153.14), dbSNP rs1555618429, ClinGen allele CA400485848.
Genomic context (GRCh38, chr17:61,859,888, plus strand): 5'-CAAAGTAAGGCTAAGCTTTTTCCACTTCCTGTGGGACTCTCCAACAAACAATGTTGCTTG[C>T]TGTTTAATCCTCTGAGAATCTATGAACACAGAAACCAATGAAAATAATAAACATATTAAC-3'
Protein context (NP_114432.2, residues 28-48): MMNSILRGLN[Ser38Asn]KQHCLLESPT

ClinVar aggregate classification (germline): Uncertain significance. Review status: criteria provided, multiple submitters, no conflicts (2 of 4 stars). 2 submissions from 2 submitters: Uncertain significance (2). Last evaluated 2025-08-20.

Conditions:
Hereditary cancer-predisposing syndrome. Also called: Hereditary neoplastic syndrome; Neoplastic Syndromes, Hereditary; Tumor predisposition; Hereditary Cancer Syndrome. Identifiers: Orphanet 140162, MedGen C0027672, MeSH D009386, MONDO:0015356.
Fanconi anemia complementation group J. Also called: BRIP1-Related Fanconi Anemia. Identifiers: Orphanet 84, MedGen C1836860, MONDO:0012187, OMIM 609054.
Familial cancer of breast. Also called: BREAST CANCER, FAMILIAL; Hereditary breast cancer; hereditary breast carcinoma. Identifiers: Orphanet 227535, MedGen C0346153, MONDO:0016419, OMIM 114480. Disease mechanism: loss of function.

Allele frequency attached by ClinVar (database versions not stated): gnomAD exomes below 0.00001.
gnomAD v4.1: 1 of 1,612,038 alleles (0.000062%); highest among the groups gnomAD compares: Non-Finnish European, 0.000085%; no homozygotes.

Submissions (2):

Labcorp Genetics (formerly Invitae), Labcorp
Classification: Uncertain significance for Familial cancer of breast; Fanconi anemia complementation group J. Last evaluated: 2025-08-20. Review status: criteria provided, single submitter. Criteria: Invitae Variant Classification Sherloc (09022015). Collection method: clinical testing. Allele origin: germline.
Comment: This sequence change replaces serine, which is neutral and polar, with asparagine, which is neutral and polar, at codon 38 of the BRIP1 protein (p.Ser38Asn). This variant is not present in population databases (gnomAD no frequency). This variant has not been reported in the literature in individuals affected with BRIP1-related conditions. ClinVar contains an entry for this variant (Variation ID: 483153). Invitae Evidence Modeling of protein sequence and biophysical properties (such as structural, functional, and spatial information, amino acid conservation, physicochemical variation, residue mobility, and thermodynamic stability) indicates that this missense variant is not expected to disrupt BRIP1 protein function with a negative predictive value of 95%. In summary, the available evidence is currently insufficient to determine the role of this variant in disease. Therefore, it has been classified as a Variant of Uncertain Significance.

Ambry Genetics
Classification: Uncertain significance for Hereditary cancer-predisposing syndrome. Last evaluated: 2024-11-05. Review status: criteria provided, single submitter. Criteria: Ambry Variant Classification Scheme 2023. Collection method: clinical testing. Allele origin: germline.
Comment: The p.S38N variant (also known as c.113G>A), located in coding exon 2 of the BRIP1 gene, results from a G to A substitution at nucleotide position 113. The serine at codon 38 is replaced by asparagine, an amino acid with highly similar properties. This amino acid position is not well conserved in available vertebrate species. In addition, this alteration is predicted to be tolerated by in silico analysis. Since supporting evidence is limited at this time, the clinical significance of this alteration remains unclear.